The following is an entry in ClinVar:

NM_006765.4(TUSC3):c.*854T>C

Gene: TUSC3 (tumor suppressor candidate 3; plus strand). Cytogenetic location: 8p22.
Variant type: single nucleotide variant.
Coding change: c.*854T>C on transcript NM_006765.4 (MANE Select); 854 bases downstream of the stop codon, T replaced by C.
Molecular consequence: 3 prime UTR variant.
Genome position (GRCh38, 1-based): chr8:15,765,010, T>C. VCF-style: chr8-15765010-T-C. GRCh37 (hg19) VCF-style: chr8-15622519-T-C.
Other names: c.*792T>C (NM_178234.2).
Identifiers: ClinVar variation 362320 (VCV000362320.6), dbSNP rs352810, ClinGen allele CA10630557.
Genomic context (GRCh38, chr8:15,765,010, plus strand): 5'-CCACTATATCCATTTTGCTCATGTGTTTTATGCAACCAGCTTTCCATCAAATCCTCAATC[T>C]TTGAATCCAGGTAAAAGGTTAATTATCCTAGGATTAGTGAATGATTCAATGAAGCTTTCT-3'

ClinVar aggregate classification (germline): Benign. Review status: criteria provided, multiple submitters, no conflicts (2 of 4 stars). 2 submissions from 2 submitters: Benign (2). Last evaluated 2018-01-12.

Conditions:
Congenital disorder of glycosylation (CDG). Also called: Carbohydrate-deficient glycoprotein syndrome; Congenital disorders of glycosylation. Identifiers: Orphanet 137, MedGen C0282577, MONDO:0015286.

Allele frequency attached by ClinVar (database versions not stated): 1000 Genomes Project 0.75459; 1000 Genomes Project 30x 0.75593; gnomAD 0.76534 and 0.76879; TOPMed 0.77041; gnomAD exomes 1.00000.
gnomAD v4.1: 116,040 of 151,866 alleles (76%); highest among the groups gnomAD compares: African/African-American, 82%; 44,525 homozygotes.

Submissions (2):

Illumina Laboratory Services, Illumina
Classification: Benign for Congenital disorder of glycosylation. Last evaluated: 2018-01-12. Review status: criteria provided, single submitter. Criteria: ICSL Variant Classification Criteria 13 December 2019. Collection method: clinical testing. Allele origin: germline.
Comment: This variant was observed in the ICSL laboratory as part of a predisposition screen in an ostensibly healthy population. It had not been previously curated by ICSL or reported in the Human Gene Mutation Database (HGMD: prior to June 1st, 2018), and was therefore a candidate for classification through an automated scoring system. Utilizing variant allele frequency, disease prevalence and penetrance estimates, and inheritance mode, an automated score was calculated to assess if this variant is too frequent to cause the disease. Based on the score and internal cut-off values, a variant classified as benign is not then subjected to further curation. The score for this variant resulted in a classification of benign for this disease.

Breakthrough Genomics
Classification: Benign. Review status: criteria provided, single submitter. Criteria: ACMG Guidelines, 2015. Collection method: not provided. Allele origin: germline. Inheritance: Autosomal recessive inheritance. Affected: yes.